The following is an entry in ClinVar:

NM_001276270.2(MBD4):c.1258+7C>T

Gene: MBD4 (methyl-CpG binding domain 4, DNA glycosylase; minus strand). Cytogenetic location: 3q21.3.
Variant type: single nucleotide variant.
Coding change: c.1258+7C>T on transcript NM_001276270.2 (MANE Select); 7 bases into the intron after coding-DNA position 1258, C replaced by T.
Molecular consequence: intron variant.
Genome position (GRCh38, 1-based): chr3:129,434,055, G>A on the plus strand (C>T on the coding strand, the complement: MBD4 is on the minus strand). VCF-style: chr3-129434055-G-A. GRCh37 (hg19) VCF-style: chr3-129152898-G-A.
Other names: c.322+7C>T (NM_001276273.2); c.1276+7C>T (NM_001276272.2, NM_003925.3, NM_001276271.2).
Identifiers: ClinVar variation 3667917 (VCV003667917.3).

ClinVar aggregate classification (germline): Likely benign. Review status: criteria provided, multiple submitters, no conflicts (2 of 4 stars). 2 submissions from 2 submitters: Likely benign (2). Last evaluated 2026-06-08.

Conditions:
Tumor predisposition syndrome 2 (TPDS2). Also called: MBD4-ASSOCIATED NEOPLASIA SYNDROME; MBD4-Related Tumor Predisposition Syndrome; MBD4-associated neoplasia syndrome (MANS). Identifiers: Orphanet 661526, MedGen C5774186, MONDO:0859267, OMIM 619975.

gnomAD v4.1: 1 of 1,614,090 alleles (0.000062%); highest among the groups gnomAD compares: Non-Finnish European, 0.000085%; no homozygotes.

Submissions (2):

Myriad Genetics, Inc.
Classification: Likely benign for Tumor predisposition syndrome 2. Last evaluated: 2026-06-08. Review status: criteria provided, single submitter. Criteria: Myriad Autosomal Dominant, Autosomal Recessive and X-Linked Classification Criteria (2023). Collection method: clinical testing. Allele origin: unknown.
Comment: This variant is considered likely benign. This variant is intronic and is not expected to impact mRNA splicing.

Labcorp Genetics (formerly Invitae), Labcorp
Classification: Likely benign. Last evaluated: 2024-04-29. Review status: criteria provided, single submitter. Criteria: Invitae Variant Classification Sherloc (09022015). Collection method: clinical testing. Allele origin: germline.